The following is an entry in ClinVar:

NM_198503.5(KCNT2):c.818A>C (p.Gln273Pro)

Gene: KCNT2 (potassium sodium-activated channel subfamily T member 2; minus strand). Cytogenetic location: 1q31.3.
Variant type: single nucleotide variant.
Coding change: c.818A>C on transcript NM_198503.5 (MANE Select); coding-DNA position 818, A replaced by C.
Protein change: p.Gln273Pro; replaces glutamine 273 with proline.
Molecular consequence: missense variant. On other transcripts: non-coding transcript variant (2).
Genome position (GRCh38, 1-based): chr1:196,429,578, T>G on the plus strand (A>C on the coding strand, the complement: KCNT2 is on the minus strand). VCF-style: chr1-196429578-T-G. GRCh37 (hg19) VCF-style: chr1-196398708-T-G.
Other names: c.818A>C, p.Gln273Pro (NM_001287819.3, NM_001287820.3); short protein forms Q273P.
Identifiers: ClinVar variation 4056531 (VCV004056531.1).
Genomic context (GRCh38, chr1:196,429,578, plus strand): 5'-GGAGGATTCAATTTCATGTCTCTGTACATTTCTATGCAATATAAGATGGTTTTGTTTACC[T>G]GTATGGGTAGAACCACAAGAGCAACACAAATCATAGCAACTACAAAAAGCTTGGAGGACC-3'
Protein context (NP_940905.2, residues 263-283): ICVALVVLPI[Gln273Pro]FEQLAYLWME

ClinVar aggregate classification (germline): Uncertain significance (1 of 4 stars; one submission).

Conditions:
Developmental and epileptic encephalopathy, 57. Also called: EPILEPTIC ENCEPHALOPATHY, EARLY INFANTILE, 57. Identifiers: MedGen C4540411, MONDO:0033366, OMIM 617771.

Submission:

Laboratorio de Genetica e Diagnostico Molecular, Hospital Israelita Albert Einstein
Classification: Uncertain significance for Developmental and epileptic encephalopathy, 57. Last evaluated: 2022-11-24. Review status: criteria provided, single submitter. Criteria: ACMG Guidelines, 2015. Collection method: clinical testing. Allele origin: germline. Affected: yes.
Comment: ACMG classification criteria: PM2 moderate, PP2 supporting, PP3 supporting